The following is an entry in ClinVar:

ClinVar aggregate classification (germline): Likely benign. Review status: criteria provided, multiple submitters, no conflicts (2 of 4 stars). 3 submissions from 3 submitters: Likely benign (3). Last evaluated 2025-10-02.

Allele frequency attached by ClinVar (database versions not stated): gnomAD 0.00001; TOPMed 0.00001; gnomAD exomes 0.00003; ExAC 0.00004; ESP Exome Variant Server 0.00016.
gnomAD v4.1: 46 of 1,613,916 alleles (0.0029%); highest among the groups gnomAD compares: African/African-American, 0.0027%; no homozygotes.

Submissions (3):

Labcorp Genetics (formerly Invitae), Labcorp
Classification: Likely benign. Last evaluated: 2025-10-02. Review status: criteria provided, single submitter. Criteria: Invitae Variant Classification Sherloc (09022015). Collection method: clinical testing. Allele origin: germline.

Blueprint Genetics
Classification: Likely benign. Last evaluated: 2024-10-17. Review status: criteria provided, single submitter. Criteria: ACMG Guidelines, 2015. Collection method: clinical testing. Allele origin: germline.

CeGaT Center for Human Genetics Tuebingen
Classification: Likely benign. Last evaluated: 2022-09-01. Review status: criteria provided, single submitter. Criteria: CeGaT Center For Human Genetics Tuebingen Variant Classification Criteria Version 2. Collection method: clinical testing. Allele origin: germline. Affected: yes. Observed: 1 variant allele.
Comment: SBF1: BP4, BP7

NM_002972.4(SBF1):c.1299G>C (p.Gly433=)

Gene: SBF1 (SET binding factor 1; minus strand). Cytogenetic location: 22q13.33.
Variant type: single nucleotide variant.
Coding change: c.1299G>C on transcript NM_002972.4 (MANE Select); coding-DNA position 1299, G replaced by C.
Protein change: p.Gly433=; no amino-acid change (glycine 433 retained).
Molecular consequence: synonymous variant.
Genome position (GRCh38, 1-based): chr22:50,465,034, C>G on the plus strand (G>C on the coding strand, the complement: SBF1 is on the minus strand). VCF-style: chr22-50465034-C-G. GRCh37 (hg19) VCF-style: chr22-50903463-C-G.
Other names: c.1302G>C, p.Gly434= (NM_001365819.1).
Identifiers: ClinVar variation 742245 (VCV000742245.33), dbSNP rs377074208, ClinGen allele CA10317748.